The following is an entry in ClinVar:

ClinVar aggregate classification (germline): Uncertain significance. Review status: criteria provided, single submitter (1 of 4 stars). 2 submissions from 2 submitters: Uncertain significance (1). 1 of the submissions does not count toward it. Last evaluated 2024-04-17.

Conditions:
PLXNA2-related disorder. Also called: PLXNA2-related condition.

Allele frequency attached by ClinVar (database versions not stated): gnomAD 0.00001; TOPMed 0.00005.
gnomAD v4.1: 12 of 1,612,982 alleles (0.00074%); highest among the groups gnomAD compares: Admixed American, 0.01%; no homozygotes.

Submissions (2):

Labcorp Genetics (formerly Invitae), Labcorp
Classification: Uncertain significance. Last evaluated: 2024-04-17. Review status: criteria provided, single submitter. Criteria: Invitae Variant Classification Sherloc (09022015). Collection method: clinical testing. Allele origin: germline.
Comment: This sequence change replaces arginine, which is basic and polar, with tryptophan, which is neutral and slightly polar, at codon 1042 of the PLXNA2 protein (p.Arg1042Trp). This variant is present in population databases (rs781578343, gnomAD 0.003%). This variant has not been reported in the literature in individuals affected with PLXNA2-related conditions. ClinVar contains an entry for this variant (Variation ID: 1905585). Advanced modeling of protein sequence and biophysical properties (such as structural, functional, and spatial information, amino acid conservation, physicochemical variation, residue mobility, and thermodynamic stability) performed at Invitae indicates that this missense variant is not expected to disrupt PLXNA2 protein function with a negative predictive value of 80%. In summary, the available evidence is currently insufficient to determine the role of this variant in disease. Therefore, it has been classified as a Variant of Uncertain Significance.

PreventionGenetics, part of Exact Sciences
Classification: Uncertain significance for PLXNA2-related condition. Last evaluated: 2024-09-27. Review status: no assertion criteria provided. Collection method: clinical testing. Allele origin: germline. Not counted in ClinVar's aggregate classification.
Comment: The PLXNA2 c.3124C>T variant is predicted to result in the amino acid substitution p.Arg1042Trp. To our knowledge, this variant has not been reported in the literature. This variant is reported in 0.0029% of alleles in individuals of Latino descent in gnomAD. At this time, the clinical significance of this variant is uncertain due to the absence of conclusive functional and genetic evidence.

NM_025179.4(PLXNA2):c.3124C>T (p.Arg1042Trp)

Gene: PLXNA2 (plexin A2; minus strand). Cytogenetic location: 1q32.2.
Variant type: single nucleotide variant.
Coding change: c.3124C>T on transcript NM_025179.4 (MANE Select); coding-DNA position 3124, C replaced by T.
Protein change: p.Arg1042Trp; replaces arginine 1042 with tryptophan.
Molecular consequence: missense variant.
Genome position (GRCh38, 1-based): chr1:208,051,293, G>A on the plus strand (C>T on the coding strand, the complement: PLXNA2 is on the minus strand). VCF-style: chr1-208051293-G-A. GRCh37 (hg19) VCF-style: chr1-208224638-G-A.
Other names: c.3124C>T (NM_025179.3); short protein forms R1042W.
Identifiers: ClinVar variation 1905585 (VCV001905585.6), dbSNP rs781578343, ClinGen allele CA36711538.
Genomic context (GRCh38, chr1:208,051,293, plus strand): 5'-ATCCCTCCCACCTTCCACCTCACCTGGCAATGCTCCACTCTGGCTCGATGCGCTGGACCC[G>A]AGGGTCATCTATGTACTCAAACTGCAGGTTGCTATCCACATGGGCTCGGTCGACACTCAC-3'
Protein context (NP_079455.3, residues 1032-1052): NLQFEYIDDP[Arg1042Trp]VQRIEPEWSI